The following is an entry in ClinVar:

NM_005359.6(SMAD4):c.742C>T (p.Gln248Ter)

Gene: SMAD4 (SMAD family member 4; plus strand). Cytogenetic location: 18q21.2.
Variant type: single nucleotide variant.
Coding change: c.742C>T on transcript NM_005359.6 (MANE Select); coding-DNA position 742, C replaced by T.
Protein change: p.Gln248Ter; replaces glutamine 248 with a stop codon.
Molecular consequence: nonsense.
Genome position (GRCh38, 1-based): chr18:51,058,199, C>T. VCF-style: chr18-51058199-C-T. GRCh37 (hg19) VCF-style: chr18-48584569-C-T.
Other names: short protein forms Q248*.
Identifiers: ClinVar variation 1419311 (VCV001419311.6), dbSNP rs2144427357, ClinGen allele CA402462931.

ClinVar aggregate classification (germline): Pathogenic (1 of 4 stars; one submission).

Conditions:
Juvenile polyposis syndrome (JPS). Identifiers: Orphanet 2929, MedGen C0345893, MONDO:0017380, OMIM 174900.

Submission:

Labcorp Genetics (formerly Invitae), Labcorp
Classification: Pathogenic for Juvenile polyposis syndrome. Last evaluated: 2025-05-17. Review status: criteria provided, single submitter. Criteria: Invitae Variant Classification Sherloc (09022015). Collection method: clinical testing. Allele origin: germline.
Comment: This sequence change creates a premature translational stop signal (p.Gln248*) in the SMAD4 gene. It is expected to result in an absent or disrupted protein product. Loss-of-function variants in SMAD4 are known to be pathogenic (PMID: 16152648, 16436638, 22810475). This variant is not present in population databases (gnomAD no frequency). This variant has not been reported in the literature in individuals affected with SMAD4-related conditions. ClinVar contains an entry for this variant (Variation ID: 1419311). For these reasons, this variant has been classified as Pathogenic.

Literature cited by the submitters: PubMed 16152648; PubMed 16436638; PubMed 22810475.